The following is an entry in ClinVar:

ClinVar aggregate classification (germline): Uncertain significance (1 of 4 stars; one submission).

Conditions:
Combined oxidative phosphorylation defect type 17. Also called: Combined oxidative phosphorylation deficiency 17. Identifiers: Orphanet 369913, MedGen C3809526, MONDO:0014190, OMIM 615440.

Submission:

Labcorp Genetics (formerly Invitae), Labcorp
Classification: Uncertain significance for Combined oxidative phosphorylation defect type 17. Last evaluated: 2020-12-02. Review status: criteria provided, single submitter. Criteria: Invitae Variant Classification Sherloc (09022015). Collection method: clinical testing. Allele origin: germline.
Comment: In summary, the available evidence is currently insufficient to determine the role of this variant in disease. Therefore, it has been classified as a Variant of Uncertain Significance. Algorithms developed to predict the effect of missense changes on protein structure and function are either unavailable or do not agree on the potential impact of this missense change (SIFT: "Tolerated"; PolyPhen-2: "Possibly Damaging"; Align-GVGD: "Class C0"). This variant has not been reported in the literature in individuals with ELAC2-related conditions. This variant is not present in population databases (ExAC no frequency). This sequence change replaces alanine with serine at codon 272 of the ELAC2 protein (p.Ala272Ser). The alanine residue is weakly conserved and there is a moderate physicochemical difference between alanine and serine.

NM_018127.7(ELAC2):c.814G>T (p.Ala272Ser)

Gene: ELAC2 (elaC ribonuclease Z 2; minus strand). Cytogenetic location: 17p12.
Variant type: single nucleotide variant.
Coding change: c.814G>T on transcript NM_018127.7 (MANE Select); coding-DNA position 814, G replaced by T.
Protein change: p.Ala272Ser; replaces alanine 272 with serine.
Molecular consequence: missense variant.
Genome position (GRCh38, 1-based): chr17:13,005,809, C>A on the plus strand (G>T on the coding strand, the complement: ELAC2 is on the minus strand). VCF-style: chr17-13005809-C-A. GRCh37 (hg19) VCF-style: chr17-12909126-C-A.
Other names: c.694G>T, p.Ala232Ser (NM_001165962.2); c.814G>T, p.Ala272Ser (NM_173717.2); short protein forms A272S, A232S.
Identifiers: ClinVar variation 1394304 (VCV001394304.8), dbSNP rs765353090, ClinGen allele CA398227409.